The following is an entry in ClinVar:

ClinVar aggregate classification (germline): Uncertain significance (0 of 4 stars; one submission).

Conditions:
ADCY3-related disorder. Also called: ADCY3-related condition.

Submission:

PreventionGenetics, part of Exact Sciences
Classification: Uncertain significance for ADCY3-related condition. Last evaluated: 2024-03-22. Review status: no assertion criteria provided. Collection method: clinical testing. Allele origin: germline.
Comment: The ADCY3 c.38C>T variant is predicted to result in the amino acid substitution p.Ser13Leu. To our knowledge, this variant has not been reported in the literature or in a large population database, indicating this variant is rare. At this time, the clinical significance of this variant is uncertain due to the absence of conclusive functional and genetic evidence.

NM_004036.5(ADCY3):c.38C>T (p.Ser13Leu)

Gene: ADCY3 (adenylate cyclase 3; minus strand). Cytogenetic location: 2p23.3.
Variant type: single nucleotide variant.
Coding change: c.38C>T on transcript NM_004036.5 (MANE Select); coding-DNA position 38, C replaced by T.
Protein change: p.Ser13Leu; replaces serine 13 with leucine.
Molecular consequence: missense variant.
Genome position (GRCh38, 1-based): chr2:24,918,950, G>A on the plus strand (C>T on the coding strand, the complement: ADCY3 is on the minus strand). VCF-style: chr2-24918950-G-A. GRCh37 (hg19) VCF-style: chr2-25141819-G-A.
Other names: c.38C>T, p.Ser13Leu (NM_001320613.2, NM_001377128.1, NM_001377129.1 and 2 more transcripts); short protein forms S13L.
Identifiers: ClinVar variation 3349531 (VCV003349531.1).